The following is an entry in ClinVar:

ClinVar aggregate classification (germline): Uncertain significance (1 of 4 stars; one submission).

Conditions:
Left ventricular noncompaction 8 (LVNC8). Identifiers: Orphanet 154, Orphanet 54260, MedGen C3809288, MONDO:0014152, OMIM 615373.

Submission:

Labcorp Genetics (formerly Invitae), Labcorp
Classification: Uncertain significance for Left ventricular noncompaction 8. Last evaluated: 2020-09-09. Review status: criteria provided, single submitter. Criteria: Invitae Variant Classification Sherloc (09022015). Collection method: clinical testing. Allele origin: germline.
Comment: This sequence change creates a premature translational stop signal (p.Met415Cysfs*49) in the PRDM16 gene. It is expected to result in an absent or disrupted protein product. This variant is not present in population databases (ExAC no frequency). This variant has not been reported in the literature in individuals with PRDM16-related conditions. The current clinical and genetic evidence is not sufficient to establish whether loss-of-function variants in PRDM16 cause disease. In summary, the available evidence is currently insufficient to determine the role of this variant in disease. Therefore, it has been classified as a Variant of Uncertain Significance.

NM_022114.4(PRDM16):c.1242del (p.Met415fs)

Gene: PRDM16 (PR/SET domain 16; plus strand). Cytogenetic location: 1p36.32.
Variant type: Deletion.
Coding change: c.1242del on transcript NM_022114.4 (MANE Select); coding-DNA position 1242, one base deleted (G; older notation c.1242delG).
Protein change: p.Met415fs; shifts the reading frame from methionine 415.
Molecular consequence: frameshift variant.
Genome position (GRCh38, 1-based): chr1:3,411,439, G deleted; the last of 2 consecutive G bases (chr1:3,411,438-3,411,439); deleting either gives the same sequence. VCF-style (leftmost placement, unchanged base first): chr1-3411437-CG-C. GRCh37 (hg19) VCF-style: chr1-3328001-CG-C.
Other names: c.1242del, p.Met415fs (NM_199454.3); short protein forms M415fs.
Identifiers: ClinVar variation 1008919 (VCV001008919.6), dbSNP rs1643684087, ClinGen allele CA1150099691.
Genomic context (GRCh38, chr1:3,411,437, plus strand): 5'-GTTTTAGGTGAGGTCTGCCACAAGTCCTACACGCAGTTCTCCAACCTGTGCCGGCACAAG[CG>C]GATGCACGCCGACTGCCGCACGCAGATCAAGTGCAAGGACTGTGGCCAGATGTTCAGCAC-3'